The following is an entry in ClinVar:

NM_004444.5(EPHB4):c.1884G>C (p.Glu628Asp)

Gene: EPHB4 (EPH receptor B4; minus strand). Cytogenetic location: 7q22.1.
Variant type: single nucleotide variant.
Coding change: c.1884G>C on transcript NM_004444.5 (MANE Select); coding-DNA position 1884, G replaced by C.
Protein change: p.Glu628Asp; replaces glutamic acid 628 with aspartic acid.
Molecular consequence: missense variant.
Genome position (GRCh38, 1-based): chr7:100,812,981, C>G on the plus strand (G>C on the coding strand, the complement: EPHB4 is on the minus strand). VCF-style: chr7-100812981-C-G. GRCh37 (hg19) VCF-style: chr7-100410603-C-G.
Other names: short protein forms E628D.
Identifiers: ClinVar variation 4870544 (VCV004870544.1).

ClinVar aggregate classification (germline): Uncertain significance (1 of 4 stars; one submission).

Conditions:
Cardiovascular phenotype. Identifiers: MedGen CN230736.

Submission:

Ambry Genetics
Classification: Uncertain significance for Cardiovascular phenotype. Last evaluated: 2026-05-14. Review status: criteria provided, single submitter. Criteria: Ambry Variant Classification Scheme 2023. Collection method: clinical testing. Allele origin: germline.
Comment: The p.E628D variant (also known as c.1884G>C), located in coding exon 12 of the EPHB4 gene, results from a G to C substitution at nucleotide position 1884. The glutamic acid at codon 628 is replaced by aspartic acid, an amino acid with highly similar properties. This amino acid position is conserved. In addition, the in silico prediction for this alteration is inconclusive. Based on the available evidence, the clinical significance of this variant remains unclear.